The following is an entry in ClinVar:

ClinVar aggregate classification (germline): Uncertain significance. Review status: criteria provided, multiple submitters, no conflicts (2 of 4 stars). 2 submissions from 2 submitters: Uncertain significance (2). Last evaluated 2025-10-01.

Conditions:
Chuvash polycythemia. Also called: POLYCYTHEMIA, VHL-DEPENDENT. Identifiers: Orphanet 238557, MedGen C1837915, MONDO:0009892, OMIM 263400.
Von Hippel-Lindau syndrome (VHLS). Also called: Von Hippel-Lindau; von Hippel–Lindau syndrome; VHL syndrome. Identifiers: Orphanet 892, MedGen C0019562, MONDO:0008667, OMIM 193300. Disease mechanism: loss of function.
Hereditary cancer-predisposing syndrome. Also called: Hereditary neoplastic syndrome; Tumor predisposition; Neoplastic Syndromes, Hereditary; Hereditary Cancer Syndrome. Identifiers: Orphanet 140162, MedGen C0027672, MeSH D009386, MONDO:0015356.

Submissions (2):

Ambry Genetics
Classification: Uncertain significance for Hereditary cancer-predisposing syndrome. Last evaluated: 2025-10-01. Review status: criteria provided, single submitter. Criteria: Ambry Variant Classification Scheme 2023. Collection method: clinical testing. Allele origin: germline.
Comment: The p.E36* variant (also known as c.106G>T), located in coding exon 1 of the VHL gene, results from a G to T substitution at nucleotide position 106. This changes the amino acid from a glutamic acid to a stop codon within coding exon 1. The predicted stop codon occurs in the 5&rsquo; end of thegene. Premature stop codons are typically deleterious in nature; however, an alternate initiation codon exists downstream of this alteration, and is reported to result in a biologically active isoform, known as VHL19 (Iliopoulos O et al. Proc. Natl. Acad. Sci. U.S.A. 1998 Sep; 95(20):11661-6; Schoenfeld A et al. Proc. Natl. Acad. Sci. U.S.A. 1998 Jul; 95(15):8817-22). Since supporting evidence is limited at this time, the clinical significance of this alteration remains unclear.

Labcorp Genetics (formerly Invitae), Labcorp
Classification: Uncertain significance for Von Hippel-Lindau syndrome; Chuvash polycythemia. Last evaluated: 2025-07-16. Review status: criteria provided, single submitter. Criteria: Invitae Variant Classification Sherloc (09022015). Collection method: clinical testing. Allele origin: germline.
Comment: This sequence change creates a premature translational stop signal (p.Glu36*) in the VHL gene. It is unclear whether it will result in an absent or disrupted protein product because an in-frame methionine located at codon 54 has the potential to rescue this variant. This variant is not present in population databases (gnomAD no frequency). This variant has not been reported in the literature in individuals affected with VHL-related conditions. ClinVar contains an entry for this variant (Variation ID: 961167). Several studies have shown that the VHL protein created from a downstream methionine located at codon 54 is biologically active, and exhibits properties similar to the full-length, wild-type protein (PMID: 9671762, 9751722). In summary, the available evidence is currently insufficient to determine the role of this variant in disease. Therefore, it has been classified as a Variant of Uncertain Significance.

Literature cited by the submitters: PubMed 9671762 (cited by Labcorp Genetics (formerly Invitae), Labcorp); PubMed 9751722 (cited by Labcorp Genetics (formerly Invitae), Labcorp).

NM_000551.4(VHL):c.106G>T (p.Glu36Ter)

Gene: VHL (von Hippel-Lindau tumor suppressor; plus strand). Cytogenetic location: 3p25.3.
Variant type: single nucleotide variant.
Coding change: c.106G>T on transcript NM_000551.4 (MANE Select); coding-DNA position 106, G replaced by T.
Protein change: p.Glu36Ter; replaces glutamic acid 36 with a stop codon.
Molecular consequence: nonsense.
Genome position (GRCh38, 1-based): chr3:10,141,953, G>T. VCF-style: chr3-10141953-G-T. GRCh37 (hg19) VCF-style: chr3-10183637-G-T.
Other names: c.106G>T, p.Glu36Ter (NM_001354723.2, NM_198156.3); short protein forms E36*.
Identifiers: ClinVar variation 961167 (VCV000961167.9), dbSNP rs1696121268, ClinGen allele CA351747713.
Genomic context (GRCh38, chr3:10,141,953, plus strand): 5'-GAGGAGGCAGGCGTCGAAGAGTACGGCCCTGAAGAAGACGGCGGGGAGGAGTCGGGCGCC[G>T]AGGAGTCCGGCCCGGAAGAGTCCGGCCCGGAGGAACTGGGCGCCGAGGAGGAGATGGAGG-3'